The following is an entry in ClinVar:

ClinVar aggregate classification (germline): Uncertain significance (1 of 4 stars; one submission).

Conditions:
Glucose-6-phosphate transport defect (GSD1B). Also called: GSD Ib; Glycogen Storage Disease Type Ib. Identifiers: Orphanet 364, Orphanet 79259, MedGen C0268146, MONDO:0009288, OMIM 232220.

Allele frequency attached by ClinVar (database versions not stated): TOPMed 0.00001.

Submission:

Labcorp Genetics (formerly Invitae), Labcorp
Classification: Uncertain significance for Glucose-6-phosphate transport defect. Last evaluated: 2024-10-15. Review status: criteria provided, single submitter. Criteria: Invitae Variant Classification Sherloc (09022015). Collection method: clinical testing. Allele origin: germline.
Comment: This sequence change replaces histidine, which is basic and polar, with tyrosine, which is neutral and polar, at codon 301 of the SLC37A4 protein (p.His301Tyr). This variant is present in population databases (no rsID available, gnomAD 0.003%). This variant has not been reported in the literature in individuals affected with SLC37A4-related conditions. ClinVar contains an entry for this variant (Variation ID: 2182999). Invitae Evidence Modeling of protein sequence and biophysical properties (such as structural, functional, and spatial information, amino acid conservation, physicochemical variation, residue mobility, and thermodynamic stability) indicates that this missense variant is not expected to disrupt SLC37A4 protein function with a negative predictive value of 80%. In summary, the available evidence is currently insufficient to determine the role of this variant in disease. Therefore, it has been classified as a Variant of Uncertain Significance.

NM_001164277.2(SLC37A4):c.901C>T (p.His301Tyr)

Gene: SLC37A4 (solute carrier family 37 member 4; minus strand). Cytogenetic location: 11q23.3.
Variant type: single nucleotide variant.
Coding change: c.901C>T on transcript NM_001164277.2 (MANE Select); coding-DNA position 901, C replaced by T.
Protein change: p.His301Tyr; replaces histidine 301 with tyrosine.
Molecular consequence: missense variant.
Genome position (GRCh38, 1-based): chr11:119,026,050, G>A on the plus strand (C>T on the coding strand, the complement: SLC37A4 is on the minus strand). VCF-style: chr11-119026050-G-A. GRCh37 (hg19) VCF-style: chr11-118896760-G-A.
Other names: c.901C>T, p.His301Tyr (NM_001164278.2, NM_001164280.2, NM_001467.6); c.682C>T, p.His228Tyr (NM_001164279.2); short protein forms H301Y, H228Y.
Identifiers: ClinVar variation 2182999 (VCV002182999.3), dbSNP rs539911116, ClinGen allele CA229597212.